The following is an entry in ClinVar:

ClinVar aggregate classification (germline): Uncertain significance. Review status: criteria provided, multiple submitters, no conflicts (2 of 4 stars). 2 submissions from 2 submitters: Uncertain significance (2). Last evaluated 2026-06-10.

Conditions:
Inborn genetic diseases. Identifiers: MedGen C0950123, MeSH D030342.
Intellectual developmental disorder with impaired language and dysmorphic facies. Identifiers: MedGen C5231444, MONDO:0032851, OMIM 618653.

gnomAD v4.1: 1 of 1,579,906 alleles (0.000063%); highest among the groups gnomAD compares: South Asian, 0.0012%; no homozygotes.

Submissions (2):

Ambry Genetics
Classification: Uncertain significance for Inborn genetic diseases. Last evaluated: 2026-06-10. Review status: criteria provided, single submitter. Criteria: Ambry Variant Classification Scheme 2023. Collection method: clinical testing. Allele origin: germline.

Laboratory of NeuroGenetics and Regenerative Medicine, University of Maryland School of Medicine
Classification: Uncertain significance for Intellectual developmental disorder with impaired language and dysmorphic facies. Last evaluated: 2025-12-08. Review status: criteria provided, single submitter. Criteria: ACMG Guidelines, 2015. Collection method: research. Allele origin: germline. Inheritance: Autosomal recessive inheritance. Affected: yes. Observed: 1 variant allele, 1 homozygote.
Comment: Criteria used: PM2, PM1, PP2: The p.Asn342Asp variant is absent from gnomAD (v3/v4), fulfilling PM2 for rarity. The substituted residue lies within the RecA-like domain 2, a highly conserved and functionally important region with clear missense constraint, supporting PM1. PP2 is met based on the gene’s known function, intolerance to missense variation, and the established link between DDX6 missense variants and neurodevelopmental phenotypes. This variant was identified as homozygous in three affected siblings from a consanguineous family; both parents are unaffected carriers, consistent with autosomal recessive segregation, but current ACMG specifications do not permit applying segregation evidence for classification in this context. The functional data presented in our manuscript further characterize this variant. In P body (PB) complementation assays, p.Asn342Asp demonstrates a moderate reduction in PB number compared with wild-type, with numerous cells lacking detectable PBs, consistent with partial loss of function. Protein-protein interaction studies also show reduced binding to PB assembly factors 4E T and LSM14A, suggesting disruption of known DDX6 molecular interactions. While these findings support a functional effect, the assays are not yet ClinGen validated, and thus cannot be used to apply PS3 under ACMG criteria. Considering the absence of population frequency (PM2), the variant’s location within a constrained and functionally critical domain (PM1, PP2), and functional observations that are supportive but not ACMG scorable, the overall classification remains VUS.

NM_004397.6(DDX6):c.1024A>G (p.Asn342Asp)

Gene: DDX6 (DEAD-box helicase 6; minus strand). Cytogenetic location: 11q23.3.
Variant type: single nucleotide variant.
Coding change: c.1024A>G on transcript NM_004397.6 (MANE Select); coding-DNA position 1024, A replaced by G.
Protein change: p.Asn342Asp; replaces asparagine 342 with aspartic acid.
Molecular consequence: missense variant.
Genome position (GRCh38, 1-based): chr11:118,757,257, T>C on the plus strand (A>G on the coding strand, the complement: DDX6 is on the minus strand). VCF-style: chr11-118757257-T-C. GRCh37 (hg19) VCF-style: chr11-118627966-T-C.
Other names: c.1024A>G, p.Asn342Asp (NM_001257191.3, NM_001425145.1, NM_001425146.1); c.1021A>G, p.Asn341Asp (NM_001425147.1, NM_001425148.1); c.895A>G, p.Asn299Asp (NM_001425149.1, NM_001425150.1); c.877A>G, p.Asn293Asp (NM_001425151.1, NM_001425152.1); c.748A>G, p.Asn250Asp (NM_001425153.1); c.700A>G, p.Asn234Asp (NM_001425154.1); c.1024A>G (NM_004397.4); short protein forms N234D, N250D, N293D, N299D, N341D, N342D.
Identifiers: ClinVar variation 4813210 (VCV004813210.2).